The following is an entry in ClinVar:

ClinVar aggregate classification (germline): Uncertain significance. Review status: criteria provided, multiple submitters, no conflicts (2 of 4 stars). 2 submissions from 2 submitters: Uncertain significance (2). Last evaluated 2025-07-09.

gnomAD v4.1: 3 of 1,558,556 alleles (0.00019%); highest among the groups gnomAD compares: Middle Eastern, 0.017%; no homozygotes.

Submissions (2):

Labcorp Genetics (formerly Invitae), Labcorp
Classification: Uncertain significance. Last evaluated: 2025-07-09. Review status: criteria provided, single submitter. Criteria: Invitae Variant Classification Sherloc (09022015). Collection method: clinical testing. Allele origin: germline.
Comment: This sequence change replaces lysine, which is basic and polar, with glutamine, which is neutral and polar, at codon 351 of the APPL1 protein (p.Lys351Gln). This variant is not present in population databases (gnomAD no frequency). This variant has not been reported in the literature in individuals affected with APPL1-related conditions. ClinVar contains an entry for this variant (Variation ID: 3887024). An algorithm developed to predict the effect of missense changes on protein structure and function (PolyPhen-2) suggests that this variant is likely to be tolerated. In summary, the available evidence is currently insufficient to determine the role of this variant in disease. Therefore, it has been classified as a Variant of Uncertain Significance.

Ambry Genetics
Classification: Uncertain significance. Last evaluated: 2025-02-26. Review status: criteria provided, single submitter. Criteria: Ambry Variant Classification Scheme 2023. Collection method: clinical testing. Allele origin: germline.

NM_012096.3(APPL1):c.1051A>C (p.Lys351Gln)

Gene: APPL1 (adaptor protein, phosphotyrosine interacting with PH domain and leucine zipper 1; plus strand). Cytogenetic location: 3p14.3.
Variant type: single nucleotide variant.
Coding change: c.1051A>C on transcript NM_012096.3 (MANE Select); coding-DNA position 1051, A replaced by C.
Protein change: p.Lys351Gln; replaces lysine 351 with glutamine.
Molecular consequence: missense variant.
Genome position (GRCh38, 1-based): chr3:57,249,547, A>C. VCF-style: chr3-57249547-A-C. GRCh37 (hg19) VCF-style: chr3-57283575-A-C.
Other names: short protein forms K351Q.
Identifiers: ClinVar variation 3887024 (VCV003887024.2).